The following is an entry in ClinVar:

NM_018192.4(P3H2):c.451T>C (p.Tyr151His)

Gene: P3H2 (prolyl 3-hydroxylase 2; minus strand). Cytogenetic location: 3q28.
Variant type: single nucleotide variant.
Coding change: c.451T>C on transcript NM_018192.4 (MANE Select); coding-DNA position 451, T replaced by C.
Protein change: p.Tyr151His; replaces tyrosine 151 with histidine.
Molecular consequence: missense variant. On other transcripts: intron variant (1).
Genome position (GRCh38, 1-based): chr3:190,120,281, A>G on the plus strand (T>C on the coding strand, the complement: P3H2 is on the minus strand). VCF-style: chr3-190120281-A-G. GRCh37 (hg19) VCF-style: chr3-189838070-A-G.
Other names: c.-64+1922T>C (NM_001134418.2); short protein forms Y151H.
Identifiers: ClinVar variation 1061632 (VCV001061632.5), dbSNP rs1712492530, ClinGen allele CA355859455.
Genomic context (GRCh38, chr3:190,120,281, plus strand): 5'-GCTTTGCAGTGGAGGAGCGCTCTGTGGGTACCTTGATGTAGGCCCGCTGCAGGTAGTTGT[A>G]GGGCACTCTGCGCTGGAAGTCGCTGCGCACATCCTCGCTGACGCGGTGGCGGGATGCGGG-3'
Protein context (NP_060662.2, residues 141-161): VRSDFQRRVP[Tyr151His]NYLQRAYIKL

ClinVar aggregate classification (germline): Uncertain significance (1 of 4 stars; one submission).

Allele frequency attached by ClinVar (database versions not stated): gnomAD exomes below 0.00001; gnomAD 0.00001.
gnomAD v4.1: 6 of 1,611,004 alleles (0.00037%); highest among the groups gnomAD compares: Non-Finnish European, 0.00051%; no homozygotes.

Submission:

Labcorp Genetics (formerly Invitae), Labcorp
Classification: Uncertain significance. Last evaluated: 2022-06-10. Review status: criteria provided, single submitter. Criteria: Invitae Variant Classification Sherloc (09022015). Collection method: clinical testing. Allele origin: germline.
Comment: Algorithms developed to predict the effect of missense changes on protein structure and function are either unavailable or do not agree on the potential impact of this missense change (SIFT: "Deleterious"; PolyPhen-2: "Possibly Damaging"; Align-GVGD: "Class C0"). In summary, the available evidence is currently insufficient to determine the role of this variant in disease. Therefore, it has been classified as a Variant of Uncertain Significance. ClinVar contains an entry for this variant (Variation ID: 1061632). This variant has not been reported in the literature in individuals affected with P3H2-related conditions. This variant is not present in population databases (gnomAD no frequency). This sequence change replaces tyrosine, which is neutral and polar, with histidine, which is basic and polar, at codon 151 of the P3H2 protein (p.Tyr151His).